The following is an entry in ClinVar:

NM_004369.4(COL6A3):c.5240C>T (p.Ala1747Val)

Gene: COL6A3 (collagen type VI alpha 3 chain; minus strand). Cytogenetic location: 2q37.3.
Variant type: single nucleotide variant.
Coding change: c.5240C>T on transcript NM_004369.4 (MANE Select); coding-DNA position 5240, C replaced by T.
Protein change: p.Ala1747Val; replaces alanine 1747 with valine.
Molecular consequence: missense variant.
Genome position (GRCh38, 1-based): chr2:237,366,947, G>A on the plus strand (C>T on the coding strand, the complement: COL6A3 is on the minus strand). VCF-style: chr2-237366947-G-A. GRCh37 (hg19) VCF-style: chr2-238275590-G-A.
Other names: c.3419C>T, p.Ala1140Val (NM_057166.5); c.4622C>T, p.Ala1541Val (NM_057167.4); short protein forms A1140V, A1541V, A1747V.
Identifiers: ClinVar variation 5037570 (VCV005037570.1).
Genomic context (GRCh38, chr2:237,366,947, plus strand): 5'-GTGAGGGCCAGGCTCACATCCTGTGCATCTTCCACCGACTTTCCTCCCGTGATCACAAAG[G>A]CAATCTGAGGGACCCGCTGGTCCAGGCGGCTGCCTGCCTCAGGCACAAAGTGGTTTACCC-3'
Protein context (NP_004360.2, residues 1737-1757): SRLDQRVPQI[Ala1747Val]FVITGGKSVE

ClinVar aggregate classification (germline): Uncertain significance (1 of 4 stars; one submission).

Submission:

GeneDx
Classification: Uncertain significance. Last evaluated: 2026-04-22. Review status: criteria provided, single submitter. Criteria: GeneDx Variant Classification Process June 2021. Collection method: clinical testing. Allele origin: germline.
Comment: Not observed at significant frequency in large population cohorts (gnomAD); In silico analysis suggests that this missense variant does not alter protein structure/function; Has not been previously published as pathogenic or benign to our knowledge